The following is an entry in ClinVar:

NM_000069.3(CACNA1S):c.1204G>C (p.Ala402Pro)

Gene: CACNA1S (calcium voltage-gated channel subunit alpha1 S; minus strand). Cytogenetic location: 1q32.1.
Variant type: single nucleotide variant.
Coding change: c.1204G>C on transcript NM_000069.3 (MANE Select); coding-DNA position 1204, G replaced by C.
Protein change: p.Ala402Pro; replaces alanine 402 with proline.
Molecular consequence: missense variant.
Genome position (GRCh38, 1-based): chr1:201,084,978, C>G on the plus strand (G>C on the coding strand, the complement: CACNA1S is on the minus strand). VCF-style: chr1-201084978-C-G. GRCh37 (hg19) VCF-style: chr1-201054106-C-G.
Other names: short protein forms A402P.
Identifiers: ClinVar variation 4791023 (VCV004791023.1).

ClinVar aggregate classification (germline): Uncertain significance (1 of 4 stars; one submission).

Conditions:
Malignant hyperthermia, susceptibility to, 5 (MHS5). Also called: CACNA1S-Related Malignant Hyperthermia Susceptibility. Identifiers: Orphanet 423, MedGen C1866077, MONDO:0011163, OMIM 601887.
Hypokalemic periodic paralysis, type 1. Also called: HypoPP; Hypokalemic Periodic Paralysis Type 1 (AD). Identifiers: Orphanet 681, MedGen C3714580, MONDO:0042979, OMIM 170400.

Submission:

Labcorp Genetics (formerly Invitae), Labcorp
Classification: Uncertain significance for Hypokalemic periodic paralysis, type 1; Malignant hyperthermia, susceptibility to, 5. Last evaluated: 2025-09-29. Review status: criteria provided, single submitter. Criteria: Invitae Variant Classification Sherloc (09022015). Collection method: clinical testing. Allele origin: germline.
Comment: This sequence change replaces alanine, which is neutral and non-polar, with proline, which is neutral and non-polar, at codon 402 of the CACNA1S protein (p.Ala402Pro). This variant is not present in population databases (gnomAD no frequency). This variant has not been reported in the literature in individuals affected with CACNA1S-related conditions. Invitae Evidence Modeling of protein sequence and biophysical properties (such as structural, functional, and spatial information, amino acid conservation, physicochemical variation, residue mobility, and thermodynamic stability) indicates that this missense variant is not expected to disrupt CACNA1S protein function with a negative predictive value of 95%. In summary, the available evidence is currently insufficient to determine the role of this variant in disease. Therefore, it has been classified as a Variant of Uncertain Significance.